The following is an entry in ClinVar:

NM_020427.3(SLURP1):c.256G>A (p.Gly86Arg)

Gene: SLURP1 (secreted LY6/PLAUR domain containing 1; minus strand). Cytogenetic location: 8q24.3.
Variant type: single nucleotide variant.
Coding change: c.256G>A on transcript NM_020427.3 (MANE Select); coding-DNA position 256, G replaced by A.
Protein change: p.Gly86Arg; replaces glycine 86 with arginine.
Molecular consequence: missense variant.
Genome position (GRCh38, 1-based): chr8:142,741,199, C>T on the plus strand (G>A on the coding strand, the complement: SLURP1 is on the minus strand). VCF-style: chr8-142741199-C-T. GRCh37 (hg19) VCF-style: chr8-143822617-C-T.
Other names: SLURP1, GLY86ARG, 1764G-A; short protein forms G86R.
Identifiers: ClinVar variation 4602 (VCV000004602.55), dbSNP rs28937888, ClinGen allele CA116950.

ClinVar aggregate classification (germline): Pathogenic/Likely pathogenic. Review status: criteria provided, multiple submitters, no conflicts (2 of 4 stars). 4 submissions from 4 submitters: Pathogenic (1); Likely pathogenic (1). 2 of the submissions do not count toward it. Last evaluated 2022-09-01.

Conditions:
Acroerythrokeratoderma (MDM). Also called: KERATOSIS PALMOPLANTARIS TRANSGREDIENS OF SIEMENS; PALMOPLANTAR KERATODERMA, NORRBOTTEN RECESSIVE TYPE; Meleda disease; Mal de Meleda; PALMOPLANTAR KERATODERMA, GAMBORG NIELSEN TYPE. Identifiers: Orphanet 87503, MedGen C0025221, MONDO:0009552, OMIM 248300.

Allele frequency attached by ClinVar (database versions not stated): gnomAD 0.00003; gnomAD exomes 0.00004 and 0.00001; TOPMed 0.00003; ExAC 0.00004.
gnomAD v4.1: 19 of 1,609,868 alleles (0.0012%); highest among the groups gnomAD compares: East Asian, 0.02%; no homozygotes.

Submissions (4):

CeGaT Center for Human Genetics Tuebingen
Classification: Pathogenic. Last evaluated: 2022-09-01. Review status: criteria provided, single submitter. Criteria: CeGaT Center For Human Genetics Tuebingen Variant Classification Criteria Version 2. Collection method: clinical testing. Allele origin: germline. Affected: yes. Observed: 1 variant allele.
Comment: SLURP1: PP1:Strong, PM2, PM3, PP4, PS3:Supporting, PS4:Supporting

Juno Genomics, Hangzhou Juno Genomics, Inc
Classification: Likely pathogenic for Acroerythrokeratoderma. Review status: criteria provided, single submitter. Criteria: ACMG Guidelines, 2015. Collection method: clinical testing. Allele origin: germline.
Comment: Absent from controls (or at extremely low frequency if recessive) in Genome Aggregation Database.;For recessive disorders, detected in trans with a pathogenic variant.;Patient's phenotype or family history is highly specific for a disease with a single genetic etiology.

OMIM
Classification: Pathogenic for MAL DE MELEDA. Last evaluated: 2003-01-01. Review status: no assertion criteria provided. Collection method: literature only. Allele origin: germline. Not counted in ClinVar's aggregate classification.

Dermatology, The Second Affiliated Hospital of Xi'an Jiaotong University
Classification: Pathogenic for Acroerythrokeratoderma. Review status: no assertion criteria provided. Collection method: clinical testing. Allele origin: de novo. Inheritance: Autosomal recessive inheritance. Affected: yes. Not counted in ClinVar's aggregate classification.

Literature cited by the submitters: PubMed 12483299 (cited by OMIM).